The following is an entry in ClinVar:

ClinVar aggregate classification (germline): Uncertain significance. Review status: criteria provided, multiple submitters, no conflicts (2 of 4 stars). 3 submissions from 3 submitters: Uncertain significance (3). Last evaluated 2026-04-13.

Conditions:
Inborn genetic diseases. Identifiers: MedGen C0950123, MeSH D030342.
MYO18B-related disorder. Also called: MYO18B-related condition.

Allele frequency attached by ClinVar (database versions not stated): gnomAD 0.00013 and 0.00014; TOPMed 0.00014; ESP Exome Variant Server 0.00025.
gnomAD v4.1: 334 of 1,597,758 alleles (0.021%); highest among the groups gnomAD compares: Non-Finnish European, 0.028%; no homozygotes.

Submissions (3):

PreventionGenetics, part of Exact Sciences
Classification: Uncertain significance for MYO18B-related condition. Last evaluated: 2026-04-13. Review status: criteria provided, single submitter. Criteria: ACMG Guidelines, 2015. Collection method: clinical testing. Allele origin: germline.
Comment: The MYO18B c.6832C>A variant is predicted to result in the amino acid substitution p.Leu2278Ile. To our knowledge, this variant has not been reported in the literature. This variant is reported in 0.023% of alleles in individuals of European (Non-Finnish) descent in gnomAD. At this time, the clinical significance of this variant is uncertain due to the absence of conclusive functional and genetic evidence.

Ambry Genetics
Classification: Uncertain significance for Inborn genetic diseases. Last evaluated: 2023-06-30. Review status: criteria provided, single submitter. Criteria: Ambry Variant Classification Scheme 2023. Collection method: clinical testing. Allele origin: germline.

Labcorp Genetics (formerly Invitae), Labcorp
Classification: Uncertain significance. Last evaluated: 2022-07-27. Review status: criteria provided, single submitter. Criteria: Invitae Variant Classification Sherloc (09022015). Collection method: clinical testing. Allele origin: germline.
Comment: This sequence change replaces leucine, which is neutral and non-polar, with isoleucine, which is neutral and non-polar, at codon 2278 of the MYO18B protein (p.Leu2278Ile). This variant is present in population databases (rs200490409, gnomAD 0.02%). This variant has not been reported in the literature in individuals affected with MYO18B-related conditions. ClinVar contains an entry for this variant (Variation ID: 1420383). Algorithms developed to predict the effect of missense changes on protein structure and function are either unavailable or do not agree on the potential impact of this missense change (SIFT: "Not Available"; PolyPhen-2: "Benign"; Align-GVGD: "Not Available"). In summary, the available evidence is currently insufficient to determine the role of this variant in disease. Therefore, it has been classified as a Variant of Uncertain Significance.

NM_032608.7(MYO18B):c.6832C>A (p.Leu2278Ile)

Gene: MYO18B (myosin XVIIIB; plus strand). Cytogenetic location: 22q12.1.
Variant type: single nucleotide variant.
Coding change: c.6832C>A on transcript NM_032608.7 (MANE Select); coding-DNA position 6832, C replaced by A.
Protein change: p.Leu2278Ile; replaces leucine 2278 with isoleucine.
Molecular consequence: missense variant.
Genome position (GRCh38, 1-based): chr22:26,026,806, C>A. VCF-style: chr22-26026806-C-A. GRCh37 (hg19) VCF-style: chr22-26422772-C-A.
Other names: c.6832C>A (NM_032608.5, NM_032608.6); c.6835C>A, p.Leu2279Ile (NM_001318245.2); short protein forms L2278I, L2279I.
Identifiers: ClinVar variation 1420383 (VCV001420383.5), dbSNP rs200490409, ClinGen allele CA10161625.